The following is an entry in ClinVar:

ClinVar aggregate classification (germline): Uncertain significance (1 of 4 stars; one submission).

Conditions:
Charcot-Marie-Tooth disease type 4. Also called: Charcot-Marie-Tooth, Type 4; Charcot-Marie-Tooth disease, type IV. Identifiers: Orphanet 64749, MedGen C4082197, MONDO:0018995.

Allele frequency attached by ClinVar (database versions not stated): gnomAD 0.00001; gnomAD exomes 0.00001; TOPMed 0.00001.
gnomAD v4.1: 17 of 1,614,048 alleles (0.0011%); highest among the groups gnomAD compares: Non-Finnish European, 0.0014%; no homozygotes.

Submission:

Labcorp Genetics (formerly Invitae), Labcorp
Classification: Uncertain significance for Charcot-Marie-Tooth disease type 4. Last evaluated: 2021-09-01. Review status: criteria provided, single submitter. Criteria: Invitae Variant Classification Sherloc (09022015). Collection method: clinical testing. Allele origin: germline.
Comment: This sequence change replaces arginine with lysine at codon 1254 of the SH3TC2 protein (p.Arg1254Lys). The arginine residue is moderately conserved and there is a small physicochemical difference between arginine and lysine. This variant is not present in population databases (ExAC no frequency). This variant has not been reported in the literature in individuals affected with SH3TC2-related conditions. Algorithms developed to predict the effect of missense changes on protein structure and function output the following: SIFT: "Tolerated"; PolyPhen-2: "Benign"; Align-GVGD: "Class C0". The lysine amino acid residue is found in multiple mammalian species, which suggests that this missense change does not adversely affect protein function. In summary, the available evidence is currently insufficient to determine the role of this variant in disease. Therefore, it has been classified as a Variant of Uncertain Significance.

NM_024577.4(SH3TC2):c.3761G>A (p.Arg1254Lys)

Gene: SH3TC2 (SH3 domain and tetratricopeptide repeats 2; minus strand). Cytogenetic location: 5q32.
Variant type: single nucleotide variant.
Coding change: c.3761G>A on transcript NM_024577.4 (MANE Select); coding-DNA position 3761, G replaced by A.
Protein change: p.Arg1254Lys; replaces arginine 1254 with lysine.
Molecular consequence: missense variant.
Genome position (GRCh38, 1-based): chr5:149,004,817, C>T on the plus strand (G>A on the coding strand, the complement: SH3TC2 is on the minus strand). VCF-style: chr5-149004817-C-T. GRCh37 (hg19) VCF-style: chr5-148384380-C-T.
Other names: short protein forms R1254K.
Identifiers: ClinVar variation 843994 (VCV000843994.7), dbSNP rs1229941957, ClinGen allele CA361663486.
Genomic context (GRCh38, chr5:149,004,817, plus strand): 5'-GAGCACCCGGAGGGCCTGCTGTGCCACAGGGGGCTCTGGCAGATGTTGTCCAGCCTGCTC[C>T]TAATGGTGTCCTGAAGCTCCTCATCACCCAGCAGGACCGCTGCTGCCAGGGCCAGAAGGA-3'
Protein context (NP_078853.2, residues 1244-1264): LGDEELQDTI[Arg1254Lys]SRLDNICQSP